The following is an entry in ClinVar:

ClinVar aggregate classification (germline): Uncertain significance (1 of 4 stars; one submission).

Conditions:
Hypertrophic cardiomyopathy. Also called: HYPERTROPHIC MYOCARDIOPATHY. Identifiers: Orphanet 217569, MedGen C0007194, MeSH D002312, MONDO:0005045, HP:0001639.

Allele frequency attached by ClinVar (database versions not stated): gnomAD exomes below 0.00001.
gnomAD v4.1: 2 of 1,612,588 alleles (0.00012%); highest among the groups gnomAD compares: Non-Finnish European, 0.00017%; no homozygotes.

Submission:

Labcorp Genetics (formerly Invitae), Labcorp
Classification: Uncertain significance for Hypertrophic cardiomyopathy. Last evaluated: 2024-06-17. Review status: criteria provided, single submitter. Criteria: Invitae Variant Classification Sherloc (09022015). Collection method: clinical testing. Allele origin: germline.
Comment: This sequence change replaces lysine, which is basic and polar, with asparagine, which is neutral and polar, at codon 485 of the MYBPC3 protein (p.Lys485Asn). This variant is not present in population databases (gnomAD no frequency). This missense change has been observed in individual(s) with hypertrophic cardiomyopathy (PMID: 27532257). ClinVar contains an entry for this variant (Variation ID: 2137079). An algorithm developed to predict the effect of missense changes on protein structure and function (PolyPhen-2) suggests that this variant is likely to be disruptive. In summary, the available evidence is currently insufficient to determine the role of this variant in disease. Therefore, it has been classified as a Variant of Uncertain Significance.

Literature cited by the submitters: PubMed 27532257.

NM_000256.3(MYBPC3):c.1455A>T (p.Lys485Asn)

Gene: MYBPC3 (myosin binding protein C3; minus strand). Cytogenetic location: 11p11.2.
Variant type: single nucleotide variant.
Coding change: c.1455A>T on transcript NM_000256.3 (MANE Select); coding-DNA position 1455, A replaced by T.
Protein change: p.Lys485Asn; replaces lysine 485 with asparagine.
Molecular consequence: missense variant.
Genome position (GRCh38, 1-based): chr11:47,342,832, T>A on the plus strand (A>T on the coding strand, the complement: MYBPC3 is on the minus strand). VCF-style: chr11-47342832-T-A. GRCh37 (hg19) VCF-style: chr11-47364383-T-A.
Other names: short protein forms K485N.
Identifiers: ClinVar variation 2137079 (VCV002137079.4), dbSNP rs2495763280, ClinGen allele CA380325427.